The following is an entry in ClinVar:

ClinVar aggregate classification (germline): Benign (1 of 4 stars; one submission).

Conditions:
Arterial tortuosity syndrome (ATORS). Identifiers: Orphanet 3342, MedGen C1859726, MONDO:0008818, OMIM 208050.

Allele frequency attached by ClinVar (database versions not stated): gnomAD 0.00692 and 0.00741; 1000 Genomes Project 30x 0.00750; TOPMed 0.00762; 1000 Genomes Project 0.00779.

Submission:

Illumina Laboratory Services, Illumina
Classification: Benign for Arterial tortuosity syndrome. Last evaluated: 2018-01-13. Review status: criteria provided, single submitter. Criteria: ICSL Variant Classification Criteria 13 December 2019. Collection method: clinical testing. Allele origin: germline.
Comment: This variant was observed in the ICSL laboratory as part of a predisposition screen in an ostensibly healthy population. It had not been previously curated by ICSL or reported in the Human Gene Mutation Database (HGMD: prior to June 1st, 2018), and was therefore a candidate for classification through an automated scoring system. Utilizing variant allele frequency, disease prevalence and penetrance estimates, and inheritance mode, an automated score was calculated to assess if this variant is too frequent to cause the disease. Based on the score and internal cut-off values, a variant classified as benign is not then subjected to further curation. The score for this variant resulted in a classification of benign for this disease.

NM_030777.4(SLC2A10):c.*641G>A

Gene: SLC2A10 (solute carrier family 2 member 10; plus strand). Cytogenetic location: 20q13.12.
Variant type: single nucleotide variant.
Coding change: c.*641G>A on transcript NM_030777.4 (MANE Select); 641 bases downstream of the stop codon, G replaced by A.
Molecular consequence: 3 prime UTR variant.
Genome position (GRCh38, 1-based): chr20:46,734,475, G>A. VCF-style: chr20-46734475-G-A. GRCh37 (hg19) VCF-style: chr20-45363114-G-A.
Identifiers: ClinVar variation 897990 (VCV000897990.4), dbSNP rs113629687, ClinGen allele CA315761420.